The following is an entry in ClinVar:

ClinVar aggregate classification (germline): Uncertain significance (1 of 4 stars; one submission).

Allele frequency attached by ClinVar (database versions not stated): gnomAD exomes 0.00001 and 0.00002; TOPMed 0.00003; gnomAD 0.00004.
gnomAD v4.1: 11 of 1,614,084 alleles (0.00068%); highest among the groups gnomAD compares: Admixed American, 0.018%; no homozygotes.

Submission:

Labcorp Genetics (formerly Invitae), Labcorp
Classification: Uncertain significance. Last evaluated: 2024-05-15. Review status: criteria provided, single submitter. Criteria: Invitae Variant Classification Sherloc (09022015). Collection method: clinical testing. Allele origin: germline.
Comment: This sequence change replaces aspartic acid, which is acidic and polar, with asparagine, which is neutral and polar, at codon 610 of the TFRC protein (p.Asp610Asn). This variant is present in population databases (no rsID available, gnomAD 0.01%). This variant has not been reported in the literature in individuals affected with TFRC-related conditions. ClinVar contains an entry for this variant (Variation ID: 1350698). Advanced modeling of protein sequence and biophysical properties (such as structural, functional, and spatial information, amino acid conservation, physicochemical variation, residue mobility, and thermodynamic stability) performed at Invitae indicates that this missense variant is not expected to disrupt TFRC protein function with a negative predictive value of 80%. In summary, the available evidence is currently insufficient to determine the role of this variant in disease. Therefore, it has been classified as a Variant of Uncertain Significance.

NM_001128148.3(TFRC):c.1828G>A (p.Asp610Asn)

Gene: TFRC (transferrin receptor; minus strand). Cytogenetic location: 3q29.
Variant type: single nucleotide variant.
Coding change: c.1828G>A on transcript NM_001128148.3 (MANE Select); coding-DNA position 1828, G replaced by A.
Protein change: p.Asp610Asn; replaces aspartic acid 610 with asparagine.
Molecular consequence: missense variant.
Genome position (GRCh38, 1-based): chr3:196,055,151, C>T on the plus strand (G>A on the coding strand, the complement: TFRC is on the minus strand). VCF-style: chr3-196055151-C-T. GRCh37 (hg19) VCF-style: chr3-195782022-C-T.
Other names: c.1585G>A, p.Asp529Asn (NM_001313965.2); c.982G>A, p.Asp328Asn (NM_001313966.2); c.1828G>A, p.Asp610Asn (NM_003234.4); short protein forms D529N, D328N, D610N.
Identifiers: ClinVar variation 1350698 (VCV001350698.8), dbSNP rs1405260372, ClinGen allele CA355562663.